The following is an entry in ClinVar:

NM_002769.5(PRSS1):c.221G>C (p.Gly74Ala)

Genes: TRB (T cell receptor beta locus; plus strand), PRSS1 (serine protease 1; plus strand). Cytogenetic location: 7q34.
Variant type: single nucleotide variant.
Coding change: c.221G>C on transcript NM_002769.5 (MANE Select); coding-DNA position 221, G replaced by C.
Protein change: p.Gly74Ala; replaces glycine 74 with alanine.
Molecular consequence: missense variant. On other transcripts: non-coding transcript variant (2).
Genome position (GRCh38, 1-based): chr7:142,751,794, G>C. VCF-style: chr7-142751794-G-C. GRCh37 (hg19) VCF-style: chr7-142459645-G-C.
Other names: short protein forms G74A.
Identifiers: ClinVar variation 3426317 (VCV003426317.1).

ClinVar aggregate classification (germline): Uncertain significance (1 of 4 stars; one submission).

Conditions:
Hereditary pancreatitis (PCTT). Also called: Hereditary chronic pancreatitis; PRSS1-Related Hereditary Pancreatitis. Identifiers: Orphanet 676, MedGen C0238339, MONDO:0008185, OMIM 167800.

Submission:

Ambry Genetics
Classification: Uncertain significance for Hereditary pancreatitis. Last evaluated: 2024-08-21. Review status: criteria provided, single submitter. Criteria: Ambry Variant Classification Scheme 2023. Collection method: clinical testing. Allele origin: germline.
Comment: The p.G74A variant (also known as c.221G>C), located in coding exon 3 of the PRSS1 gene, results from a G to C substitution at nucleotide position 221. The glycine at codon 74 is replaced by alanine, an amino acid with similar properties. This amino acid position is conserved. In addition, this alteration is predicted to be deleterious by in silico analysis. Based on the available evidence, the clinical significance of this variant remains unclear.